The following is an entry in ClinVar:

NR_001566.3(TERC):n.385G>A

Gene: TERC (telomerase RNA component; minus strand). Cytogenetic location: 3q26.2.
Variant type: single nucleotide variant.
Genome position: GRCh38 VCF-style: chr3-169764676-C-T. GRCh37 (hg19) VCF-style: chr3-169482464-C-T.
Identifiers: ClinVar variation 2444891 (VCV002444891.1), dbSNP rs2108182814, ClinGen allele CA436714876.

ClinVar aggregate classification (germline): Uncertain significance (1 of 4 stars; one submission).

Conditions:
Dyskeratosis congenita, autosomal dominant 1 (DKCA1). Also called: Dyskeratosis congenita Scoggins type. Identifiers: Orphanet 1775, MedGen C4551974, MONDO:0007485, OMIM 127550. Inheritance: Variable.

Submission:

St. Jude Molecular Pathology, St. Jude Children's Research Hospital
Classification: Uncertain significance for Dyskeratosis congenita, autosomal dominant 1. Last evaluated: 2022-10-25. Review status: criteria provided, single submitter. Criteria: St. Jude Assertion Criteria 2020. Collection method: clinical testing. Allele origin: germline.
Comment: The TERC n.385G>A missense change is absent in gnomAD v2.1.1. To our knowledge, this variant has not been reported in the literature in individuals with dyskeratosis congenita and no other evidence is available. In summary, the evidence currently available is insufficient to determine the role of this variant in dyskeratosis congenita. It has therefore been classified as of uncertain significance.